The following is an entry in ClinVar:

ClinVar aggregate classification (germline): Uncertain significance. Review status: criteria provided, multiple submitters, no conflicts (2 of 4 stars). 2 submissions from 2 submitters: Uncertain significance (2). Last evaluated 2022-09-30.

Conditions:
Werner syndrome (WRN). Identifiers: Orphanet 902, MedGen C0043119, MONDO:0010196, OMIM 277700.

Allele frequency attached by ClinVar (database versions not stated): gnomAD 0.00001; TOPMed 0.00001; gnomAD exomes 0.00002; ExAC 0.00003; ESP Exome Variant Server 0.00008.

Submissions (2):

Labcorp Genetics (formerly Invitae), Labcorp
Classification: Uncertain significance for Werner syndrome. Last evaluated: 2022-09-30. Review status: criteria provided, single submitter. Criteria: Invitae Variant Classification Sherloc (09022015). Collection method: clinical testing. Allele origin: germline.
Comment: This sequence change replaces isoleucine, which is neutral and non-polar, with valine, which is neutral and non-polar, at codon 599 of the WRN protein (p.Ile599Val). This variant is present in population databases (rs368931681, gnomAD 0.004%). This variant has not been reported in the literature in individuals affected with WRN-related conditions. ClinVar contains an entry for this variant (Variation ID: 362801). Algorithms developed to predict the effect of missense changes on protein structure and function are either unavailable or do not agree on the potential impact of this missense change (SIFT: "Not Available"; PolyPhen-2: "Probably Damaging"; Align-GVGD: "Not Available"). In summary, the available evidence is currently insufficient to determine the role of this variant in disease. Therefore, it has been classified as a Variant of Uncertain Significance.

Illumina Laboratory Services, Illumina
Classification: Uncertain significance for Werner syndrome. Last evaluated: 2018-01-12. Review status: criteria provided, single submitter. Criteria: ICSL Variant Classification Criteria 13 December 2019. Collection method: clinical testing. Allele origin: germline.

NM_000553.6(WRN):c.1795A>G (p.Ile599Val)

Gene: WRN (WRN RecQ like helicase; plus strand). Cytogenetic location: 8p12.
Variant type: single nucleotide variant.
Coding change: c.1795A>G on transcript NM_000553.6 (MANE Select); coding-DNA position 1795, A replaced by G.
Protein change: p.Ile599Val; replaces isoleucine 599 with valine.
Molecular consequence: missense variant.
Genome position (GRCh38, 1-based): chr8:31,090,908, A>G. VCF-style: chr8-31090908-A-G. GRCh37 (hg19) VCF-style: chr8-30948424-A-G.
Other names: short protein forms I599V.
Identifiers: ClinVar variation 362801 (VCV000362801.8), dbSNP rs368931681, ClinGen allele CA4704487.